The following is an entry in ClinVar:

ClinVar aggregate classification (germline): Likely benign (1 of 4 stars; one submission).

Allele frequency attached by ClinVar (database versions not stated): gnomAD exomes 0.00021; 1000 Genomes Project 30x 0.00062; 1000 Genomes Project 0.00080.
gnomAD v4.1: 321 of 1,609,720 alleles (0.02%); highest among the groups gnomAD compares: South Asian, 0.23%; 2 homozygotes.

Submission:

CeGaT Center for Human Genetics Tuebingen
Classification: Likely benign. Last evaluated: 2024-06-01. Review status: criteria provided, single submitter. Criteria: CeGaT Center For Human Genetics Tuebingen Variant Classification Criteria Version 2. Collection method: clinical testing. Allele origin: germline. Affected: yes. Observed: 1 variant allele.
Comment: TANC2: BP4, BP7, BS1

NM_001394998.1(TANC2):c.189C>T (p.Val63=)

Gene: TANC2 (tetratricopeptide repeat, ankyrin repeat and coiled-coil containing 2; plus strand). Cytogenetic location: 17q23.2.
Variant type: single nucleotide variant.
Coding change: c.189C>T on transcript NM_001394998.1 (MANE Select); coding-DNA position 189, C replaced by T.
Protein change: p.Val63=; no amino-acid change (valine 63 retained).
Molecular consequence: synonymous variant.
Genome position (GRCh38, 1-based): chr17:63,099,224, C>T. VCF-style: chr17-63099224-C-T. GRCh37 (hg19) VCF-style: chr17-61176585-C-T.
Other names: c.189C>T, p.Val63= (NM_001411076.1, NM_025185.4).
Identifiers: ClinVar variation 3250630 (VCV003250630.18), dbSNP rs370460475.